The following is an entry in ClinVar:

NM_152383.5(DIS3L2):c.2350G>A (p.Val784Met)

Gene: DIS3L2 (DIS3 like 3'-5' exoribonuclease 2; plus strand). Cytogenetic location: 2q37.1.
Variant type: single nucleotide variant.
Coding change: c.2350G>A on transcript NM_152383.5 (MANE Select); coding-DNA position 2350, G replaced by A.
Protein change: p.Val784Met; replaces valine 784 with methionine.
Molecular consequence: missense variant. On other transcripts: non-coding transcript variant (2), intron variant (1).
Genome position (GRCh38, 1-based): chr2:232,334,691, G>A. VCF-style: chr2-232334691-G-A. GRCh37 (hg19) VCF-style: chr2-233199401-G-A.
Other names: c.1582-8654G>A (NM_001257281.2); short protein forms V784M.
Identifiers: ClinVar variation 851218 (VCV000851218.9), dbSNP rs754474723, ClinGen allele CA2164505.

ClinVar aggregate classification (germline): Uncertain significance (1 of 4 stars; one submission).

Conditions:
Perlman syndrome (PRLMNS). Identifiers: Orphanet 2849, MedGen C0796113, MONDO:0009965, OMIM 267000.

Allele frequency attached by ClinVar (database versions not stated): ExAC 0.00022.

Submission:

Labcorp Genetics (formerly Invitae), Labcorp
Classification: Uncertain significance for Perlman syndrome. Last evaluated: 2024-04-22. Review status: criteria provided, single submitter. Criteria: Invitae Variant Classification Sherloc (09022015). Collection method: clinical testing. Allele origin: germline.
Comment: This sequence change replaces valine, which is neutral and non-polar, with methionine, which is neutral and non-polar, at codon 784 of the DIS3L2 protein (p.Val784Met). The frequency data for this variant in the population databases is considered unreliable, as metrics indicate poor data quality at this position in the gnomAD database. This variant has not been reported in the literature in individuals affected with DIS3L2-related conditions. ClinVar contains an entry for this variant (Variation ID: 851218). Advanced modeling of protein sequence and biophysical properties (such as structural, functional, and spatial information, amino acid conservation, physicochemical variation, residue mobility, and thermodynamic stability) performed at Invitae indicates that this missense variant is expected to disrupt DIS3L2 protein function with a positive predictive value of 80%. In summary, the available evidence is currently insufficient to determine the role of this variant in disease. Therefore, it has been classified as a Variant of Uncertain Significance.